The following is an entry in ClinVar:

ClinVar aggregate classification (germline): Pathogenic. Review status: criteria provided, single submitter (1 of 4 stars). 2 submissions from 2 submitters: Pathogenic (1). 1 of the submissions does not count toward it. Last evaluated 2022-12-27.

Conditions:
Walker-Warburg congenital muscular dystrophy. Also called: Muscular dystrophy-dystroglycanopathy, type A; Walker-Warburg syndrome. Identifiers: Orphanet 899, MedGen C0265221, MONDO:0000171.
Autosomal recessive limb-girdle muscular dystrophy type 2I. Also called: MUSCULAR DYSTROPHY-DYSTROGLYCANOPATHY (LIMB-GIRDLE), TYPE C, 5; MUSCULAR DYSTROPHY-DYSTROGLYCANOPATHY, LIMB-GIRDLE, FRKP-RELATED; MUSCULAR DYSTROPHY, LIMB-GIRDLE, TYPE 2I. Identifiers: Orphanet 34515, MedGen C1846672, MONDO:0011787, OMIM 607155.

Submissions (2):

Labcorp Genetics (formerly Invitae), Labcorp
Classification: Pathogenic for Walker-Warburg congenital muscular dystrophy. Last evaluated: 2022-12-27. Review status: criteria provided, single submitter. Criteria: Invitae Variant Classification Sherloc (09022015). Collection method: clinical testing. Allele origin: germline.
Comment: This sequence change creates a premature translational stop signal (p.Val79Serfs*52) in the FKRP gene. While this is not anticipated to result in nonsense mediated decay, it is expected to disrupt the last 417 amino acid(s) of the FKRP protein. This variant is not present in population databases (gnomAD no frequency). This variant has not been reported in the literature in individuals affected with FKRP-related conditions. This variant disrupts a region of the FKRP protein in which other variant(s) (p.Ile478Thr) have been determined to be pathogenic (PMID: 16476814, 18639457, 19299310). This suggests that this is a clinically significant region of the protein, and that variants that disrupt it are likely to be disease-causing. For these reasons, this variant has been classified as Pathogenic.

Counsyl
Classification: Likely pathogenic for Autosomal recessive limb-girdle muscular dystrophy type 2I. Last evaluated: 2017-04-11. Review status: no assertion criteria provided. Collection method: clinical testing. Allele origin: unknown. Not counted in ClinVar's aggregate classification.

Literature cited by the submitters: PubMed 16476814 (cited by Labcorp Genetics (formerly Invitae), Labcorp); PubMed 18639457 (cited by Labcorp Genetics (formerly Invitae), Labcorp); PubMed 19299310 (cited by Labcorp Genetics (formerly Invitae), Labcorp).

NM_024301.5(FKRP):c.230_234dup (p.Val79fs)

Gene: FKRP (fukutin related protein; plus strand). Cytogenetic location: 19q13.32.
Variant type: Microsatellite.
Coding change: c.230_234dup on transcript NM_024301.5 (MANE Select); coding-DNA positions 230 to 234, 5 bases duplicated (AGCCC; older notation c.230_234dupAGCCC).
Protein change: p.Val79fs; shifts the reading frame from valine 79.
Molecular consequence: frameshift variant.
Genome position (GRCh38, 1-based): chr19:46,755,680-46,755,684, AGCCC duplicated; duplicating any 5 consecutive bases within chr19:46,755,672-46,755,684 gives the same sequence; the c. name uses the placement nearest the transcript's 3' end. VCF-style (leftmost placement, unchanged base first): chr19-46755671-A-ACCCAG. GRCh37 (hg19) VCF-style: chr19-47258928-A-ACCCAG.
Other names: c.230_234dup, p.Val79fs (NM_001039885.3); short protein forms V79fs.
Identifiers: ClinVar variation 551452 (VCV000551452.5), dbSNP rs1555738204, ClinGen allele CA658825093.
Genomic context (GRCh38, chr19:46,755,671, plus strand): 5'-GGGAGTTCGAGGCATTTGACAACGCGGTGCCCGAGCTGGTAGACTCCTTCCTGCAGCAAG[A>ACCCAG]CCCAGCCCAGCCCGTGGTGGTGGCAGCCGACACGCTCCCCTACCCGCCCCTGGCCCTGCC-3'